The following is an entry in ClinVar:

ClinVar aggregate classification (germline): Uncertain significance (1 of 4 stars; one submission).

Conditions:
Neuropathy, hereditary sensory and autonomic, type 2A (HSAN2A). Also called: ACROOSTEOLYSIS, GIACCAI TYPE; ACROOSTEOLYSIS, NEUROGENIC; MORVAN DISEASE; NEUROPATHY, CONGENITAL SENSORY; NEUROPATHY, HEREDITARY SENSORY RADICULAR, AUTOSOMAL RECESSIVE; NEUROPATHY, HEREDITARY SENSORY, TYPE IIA. Identifiers: Orphanet 970, MedGen C2752089, MONDO:0024309, OMIM 201300.
Generalized epilepsy with febrile seizures plus, type 7 (GEFSP7). Also called: GEFS+, TYPE 7. Identifiers: Orphanet 36387, MedGen C2751778, MONDO:0013470, OMIM 613863.

Submission:

Labcorp Genetics (formerly Invitae), Labcorp
Classification: Uncertain significance for Neuropathy, hereditary sensory and autonomic, type 2A; Generalized epilepsy with febrile seizures plus, type 7. Last evaluated: 2025-07-13. Review status: criteria provided, single submitter. Criteria: Invitae Variant Classification Sherloc (09022015). Collection method: clinical testing. Allele origin: germline.
Comment: This sequence change falls in intron 25 of the SCN9A gene. It does not directly change the encoded amino acid sequence of the SCN9A protein. It affects a nucleotide within the consensus splice site. This variant is not present in population databases (gnomAD no frequency). This variant has not been reported in the literature in individuals affected with SCN9A-related conditions. Variants that disrupt the consensus splice site are a relatively common cause of aberrant splicing (PMID: 17576681, 9536098). Algorithms developed to predict the effect of sequence changes on RNA splicing suggest that this variant is not likely to affect RNA splicing. In summary, the available evidence is currently insufficient to determine the role of this variant in disease. Therefore, it has been classified as a Variant of Uncertain Significance.

Literature cited by the submitters: PubMed 17576681; PubMed 9536098.

NM_001365536.1(SCN9A):c.4503+4A>C

Genes: SCN9A (sodium voltage-gated channel alpha subunit 9; minus strand), SCN1A-AS1 (SCN1A and SCN9A antisense RNA 1; plus strand). Cytogenetic location: 2q24.3.
Variant type: single nucleotide variant.
Coding change: c.4503+4A>C on transcript NM_001365536.1 (MANE Select); 4 bases into the intron after coding-DNA position 4503, A replaced by C.
Molecular consequence: intron variant.
Genome position (GRCh38, 1-based): chr2:166,204,356, T>G on the plus strand (A>C on the coding strand, the complement: SCN9A is on the minus strand). VCF-style: chr2-166204356-T-G. GRCh37 (hg19) VCF-style: chr2-167060866-T-G.
Other names: c.4470+4A>C (NM_002977.4).
Identifiers: ClinVar variation 4790170 (VCV004790170.1).